The following is an entry in ClinVar:

NM_001405963.1(OR4Q3):c.645G>C (p.Leu215=)

Gene: OR4Q3 (olfactory receptor family 4 subfamily Q member 3; plus strand). Cytogenetic location: 14q11.2.
Variant type: single nucleotide variant.
Coding change: c.645G>C on transcript NM_001405963.1 (MANE Select); coding-DNA position 645, G replaced by C.
Protein change: p.Leu215=; no amino-acid change (leucine 215 retained).
Molecular consequence: synonymous variant.
Genome position (GRCh38, 1-based): chr14:19,748,048, G>C. VCF-style: chr14-19748048-G-C. GRCh37 (hg19) VCF-style: chr14-20216207-G-C.
Other names: c.621G>C, p.Leu207= (NM_172194.1).
Identifiers: ClinVar variation 2644035 (VCV002644035.24), ClinGen allele CA7072787.

ClinVar aggregate classification (germline): Likely benign (1 of 4 stars; one submission).

gnomAD v4.1: 10,886 of 1,612,166 alleles (0.68%); highest among the groups gnomAD compares: Non-Finnish European, 0.67%; 88 homozygotes.

Submission:

CeGaT Center for Human Genetics Tuebingen
Classification: Likely benign. Last evaluated: 2022-08-01. Review status: criteria provided, single submitter. Criteria: CeGaT Center For Human Genetics Tuebingen Variant Classification Criteria Version 2. Collection method: clinical testing. Allele origin: germline. Affected: yes. Observed: 1 variant allele.
Comment: OR4Q3: BP4, BP7